The following is an entry in ClinVar:

NM_000260.4(MYO7A):c.5755G>T (p.Glu1919Ter)

Gene: MYO7A (myosin VIIA; plus strand). Cytogenetic location: 11q13.5.
Variant type: single nucleotide variant.
Coding change: c.5755G>T on transcript NM_000260.4 (MANE Select); coding-DNA position 5755, G replaced by T.
Protein change: p.Glu1919Ter; replaces glutamic acid 1919 with a stop codon.
Molecular consequence: nonsense.
Genome position (GRCh38, 1-based): chr11:77,207,301, G>T. VCF-style: chr11-77207301-G-T. GRCh37 (hg19) VCF-style: chr11-76918346-G-T.
Other names: c.5641G>T, p.Glu1881Ter (NM_001127180.2); c.5608G>T, p.Glu1870Ter (NM_001369365.1); short protein forms E1919*, E1881*, E1870*.
Identifiers: ClinVar variation 2737774 (VCV002737774.3), dbSNP rs2497736206, ClinGen allele CA381953869.

ClinVar aggregate classification (germline): Pathogenic (1 of 4 stars; one submission).

Allele frequency attached by ClinVar (database versions not stated): gnomAD exomes below 0.00001.
gnomAD v4.1: 1 of 1,611,142 alleles (0.000062%); highest among the groups gnomAD compares: Non-Finnish European, 0.000085%; no homozygotes.

Submission:

Labcorp Genetics (formerly Invitae), Labcorp
Classification: Pathogenic. Last evaluated: 2023-07-07. Review status: criteria provided, single submitter. Criteria: Invitae Variant Classification Sherloc (09022015). Collection method: clinical testing. Allele origin: germline.
Comment: For these reasons, this variant has been classified as Pathogenic. This variant has not been reported in the literature in individuals affected with MYO7A-related conditions. This variant is not present in population databases (gnomAD no frequency). This sequence change creates a premature translational stop signal (p.Glu1919*) in the MYO7A gene. It is expected to result in an absent or disrupted protein product. Loss-of-function variants in MYO7A are known to be pathogenic (PMID: 8900236, 25404053).

Literature cited by the submitters: PubMed 8900236; PubMed 25404053.